The following is an entry in ClinVar:

ClinVar aggregate classification (germline): Likely benign. Review status: reviewed by expert panel (3 of 4 stars). 24 submissions from 24 submitters: Likely benign (1). 23 of the submissions do not count toward it. Last evaluated 2017-06-29.

Conditions:
BRCA1-related disorder. Also called: BRCA1-related condition.
Breast and/or ovarian cancer. Identifiers: MedGen CN221562.
Hereditary cancer-predisposing syndrome. Also called: Tumor predisposition; Hereditary neoplastic syndrome; Hereditary Cancer Syndrome; Neoplastic Syndromes, Hereditary. Identifiers: Orphanet 140162, MedGen C0027672, MeSH D009386, MONDO:0015356.
Hereditary breast ovarian cancer syndrome. Also called: Hereditary breast and/or ovarian cancer syndrome; Breast and ovarian cancer; Hereditary breast and ovarian cancer syndrome; Hereditary breast and ovarian cancer; Hereditary breast and ovarian cancer syndrome (HBOC); BRCA1- and BRCA2-Associated Hereditary Breast and Ovarian Cancer. Identifiers: Orphanet 145, MedGen C0677776, MeSH D061325, MONDO:0003582. Disease mechanism: loss of function.
Breast-ovarian cancer, familial, susceptibility to, 1 (BROVCA1). Also called: BRCA1 Hereditary Breast and Ovarian Cancer; OVARIAN CANCER, SUSCEPTIBILITY TO. Identifiers: Orphanet 145, MedGen C2676676, MONDO:0011450, OMIM 604370. Disease mechanism: loss of function.
Malignant tumor of breast. Also called: Malignant breast neoplasm; Cancer breast. Identifiers: MedGen C0006142, MONDO:0007254. Disease mechanism: loss of function.

Allele frequency attached by ClinVar (database versions not stated): gnomAD exomes 0.00004 and 0.00010; TOPMed 0.00007; gnomAD 0.00002 and 0.00003; ExAC 0.00003.
gnomAD v4.1: 70 of 1,611,322 alleles (0.0043%); highest among the groups gnomAD compares: Middle Eastern, 0.033%; no homozygotes.

Submissions 1 to 15 of 25:

Evidence-based Network for the Interpretation of Germline Mutant Alleles (ENIGMA)
Classification: Likely benign for Breast-ovarian cancer, familial, susceptibility to, 1. Last evaluated: 2017-06-29. Review status: reviewed by expert panel. Criteria: ENIGMA BRCA1/2 Classification Criteria (2017-06-29). Collection method: curation. Allele origin: germline.
Comment: Synonymous substitution variant, with low bioinformatic likelihood to result in a splicing aberration (Splicing prior probability 0.02).

Labcorp Genetics (formerly Invitae), Labcorp
Classification: Benign for Hereditary breast ovarian cancer syndrome. Last evaluated: 2026-02-02. Review status: criteria provided, single submitter. Criteria: Invitae Variant Classification Sherloc (09022015). Collection method: clinical testing. Allele origin: germline. Not counted in ClinVar's aggregate classification.

Institute for Biomarker Research, Medical Diagnostic Laboratories, L.L.C.
Classification: Likely benign for Hereditary breast ovarian cancer syndrome. Last evaluated: 2025-07-07. Review status: criteria provided, single submitter. Criteria: ACMG Guidelines, 2015. Collection method: clinical testing. Allele origin: germline. Not counted in ClinVar's aggregate classification.
Comment: The synonymous variant NM_007294.4(BRCA1):c.5175A>G (p.Glu1725=) has been reported to ClinVar as Likely benign with a status of (3 stars) reviewed by expert panel (Variation ID 136552 as of 2025-06-05). The p.Glu1725= variant is not predicted to disrupt the existing donor splice site 19bp upstream by any splice site algorithm. The p.Glu1725= variant results in a substitution of a base that is not predicted conserved by GERP++ and PhyloP. For these reasons, this variant has been classified as Likely Benign.

Center for Genomic Medicine, Rigshospitalet, Copenhagen University Hospital
Classification: Likely benign. Last evaluated: 2025-03-04. Review status: criteria provided, single submitter. Criteria: ACMG Guidelines, 2015. Collection method: clinical testing. Allele origin: germline. Not counted in ClinVar's aggregate classification.

Molecular Diagnostics Laboratory, Catalan Institute of Oncology
Classification: Benign for Hereditary cancer-predisposing syndrome. Last evaluated: 2024-12-12. Review status: criteria provided, single submitter. Criteria: ClinGen BRCA1BRCA2 ACMG Specifications BRCA1 V1.0.0. Collection method: clinical testing. Allele origin: germline. Not counted in ClinVar's aggregate classification.
Comment: BS1, BS3, BP4, BP7 c.5175A>G, located in exon 18 (19 according BIC nomenclature) of the BRCA1 gene, that is a (potentially) clinically important functional domain, is predicted to result in no splicing alteration (according to SpliceAI) and no amino acid change, p.(Glu1725=) (BP4, BP7). The variant allele was found in 13/35100 alleles, with a filter allele frequency of 0.0174% at 99% confidence, within the Latino population in the gnomAD v2.1.1 database (non-cancer data set) (BS1). This variant was reported by one calibrated study incorporating mRNA splicing effects to affect function similar to benign control variants (PMID: 30209399) (BS3). To our knowledge, no relevant clinical data has been reported for this variant. In addition, it was also identified in the following databases: BRCA Exchange (Likely benign: Synonymous substitution variant, with low bioinformatic likelihood to result in a splicing aberration, Splicing prior probability 0.02), ClinVar (6x benign, 13x likely benign) and LOVD (3x benign, 4x likely benign, 9x uncertain significance). Based on the currently available information, c.5175A>G is classified as a benign variant according to ClinGen-BRCA1 Guidelines version v1.0.0.

Blueprint Genetics
Classification: Likely benign. Last evaluated: 2024-11-22. Review status: criteria provided, single submitter. Criteria: ACMG Guidelines, 2015. Collection method: clinical testing. Allele origin: germline. Not counted in ClinVar's aggregate classification.

ARUP Laboratories, Molecular Genetics and Genomics, ARUP Laboratories
Classification: Benign. Last evaluated: 2024-02-20. Review status: criteria provided, single submitter. Criteria: ARUP Molecular Germline Variant Investigation Process 2024. Collection method: clinical testing. Allele origin: germline. Not counted in ClinVar's aggregate classification.

All of Us Research Program, National Institutes of Health
Classification: Benign for Breast-ovarian cancer, familial, susceptibility to, 1. Last evaluated: 2023-12-18. Review status: criteria provided, single submitter. Criteria: ACMG Guidelines, 2015. Collection method: clinical testing. Allele origin: germline. Inheritance: Autosomal dominant inheritance. Observed: 17 variant alleles, 17 heterozygotes. Not counted in ClinVar's aggregate classification.
Comment: This study involves interpretation of variants in research participants for the purpose of population health screening. Participant phenotype was not available at the time of variant classification. Additional details can be found in publication PMID: 35346344, PMCID: PMC8962531

CHEO Genetics Diagnostic Laboratory, Children's Hospital of Eastern Ontario
Classification: Likely benign for Breast and/or ovarian cancer. Last evaluated: 2022-05-27. Review status: criteria provided, single submitter. Criteria: ACMG Guidelines, 2015. Collection method: clinical testing. Allele origin: germline. Not counted in ClinVar's aggregate classification.

Genetics Program, Instituto Nacional de Cancer
Classification: Likely benign for Hereditary breast ovarian cancer syndrome. Last evaluated: 2021-11-01. Review status: criteria provided, single submitter. Criteria: ACMG Guidelines, 2015. Collection method: research. Allele origin: germline. Affected: yes. Not counted in ClinVar's aggregate classification.

Sema4
Classification: Likely benign for Hereditary cancer-predisposing syndrome. Last evaluated: 2021-02-13. Review status: criteria provided, single submitter. Criteria: Sema4 Curation Guidelines. Collection method: curation. Allele origin: germline. Not counted in ClinVar's aggregate classification.

Quest Diagnostics Nichols Institute San Juan Capistrano
Classification: Benign. Last evaluated: 2019-07-17. Review status: criteria provided, single submitter. Criteria: Quest Diagnostics criteria. Collection method: clinical testing. Allele origin: germline. Not counted in ClinVar's aggregate classification.

Mendelics
Classification: Likely benign for Breast-ovarian cancer, familial, susceptibility to, 1. Last evaluated: 2019-05-28. Review status: criteria provided, single submitter. Criteria: Mendelics Assertion Criteria 2017. Collection method: clinical testing. Allele origin: unknown. Not counted in ClinVar's aggregate classification.

Genetic Services Laboratory, University of Chicago
Classification: Likely benign. Last evaluated: 2019-04-16. Review status: criteria provided, single submitter. Criteria: ACMG Guidelines, 2015. Collection method: clinical testing. Allele origin: germline. Affected: no. Not counted in ClinVar's aggregate classification.

Ambry Genetics
Classification: Likely benign for Hereditary cancer-predisposing syndrome. Last evaluated: 2018-07-02. Review status: criteria provided, single submitter. Criteria: Ambry Variant Classification Scheme 2023. Collection method: clinical testing. Allele origin: germline. Not counted in ClinVar's aggregate classification.

NM_007294.4(BRCA1):c.5175A>G (p.Glu1725=)

Gene: BRCA1 (BRCA1 DNA repair associated; minus strand). Cytogenetic location: 17q21.31.
Variant type: single nucleotide variant.
Coding change: c.5175A>G on transcript NM_007294.4 (MANE Select); coding-DNA position 5175, A replaced by G.
Protein change: p.Glu1725=; no amino-acid change (glutamic acid 1725 retained).
Molecular consequence: synonymous variant.
Genome position (GRCh38, 1-based): chr17:43,063,351, T>C on the plus strand (A>G on the coding strand, the complement: BRCA1 is on the minus strand). VCF-style: chr17-43063351-T-C. GRCh37 (hg19) VCF-style: chr17-41215368-T-C.
Other names: p.E1725E:GAA>GAG; c.4668A>G, p.Glu1556= (NM_001407965.1); c.4287A>G, p.Glu1429= (NM_001407966.1); c.4284A>G, p.Glu1428= (NM_001407967.1); c.2571A>G, p.Glu857= (NM_001407968.1); c.2568A>G, p.Glu856= (NM_001407969.1); c.1932A>G, p.Glu644= (NM_001407970.1, NM_001407971.1); c.1929A>G, p.Glu643= (NM_001407972.1); and 73 more.
Identifiers: ClinVar variation 136552 (VCV000136552.66), dbSNP rs191373374, ClinGen allele CA003320.